The following is an entry in ClinVar:

ClinVar aggregate classification (germline): Uncertain significance (1 of 4 stars; one submission).

Submission:

Labcorp Genetics (formerly Invitae), Labcorp
Classification: Uncertain significance. Last evaluated: 2021-10-02. Review status: criteria provided, single submitter. Criteria: Invitae Variant Classification Sherloc (09022015). Collection method: clinical testing. Allele origin: germline.
Comment: A copy number gain of the genomic region encompassing the full coding sequence of the MPLKIP gene has been identified. The boundaries of this event are unknown as they extend beyond the assayed region for this gene and therefore may encompass additional genes. As the precise location of this event is unknown, it may be in tandem or it may be located elsewhere in the genome. This variant has not been reported in the literature in individuals affected with MPLKIP-related conditions. In summary, the available evidence is currently insufficient to determine the role of this variant in disease. Therefore, it has been classified as a Variant of Uncertain Significance.

NC_000007.13:g.(?_40127705)_(40174739_?)dup

Genes: SUGCT (succinyl-CoA:glutarate-CoA transferase; plus strand), CDK13 (cyclin dependent kinase 13; plus strand), MPLKIP (M-phase specific PLK1 interacting protein; minus strand). Cytogenetic location: 7p14.1.
Variant type: Duplication.
Identifiers: ClinVar variation 1446891 (VCV001446891.1).